The following is an entry in ClinVar:

NM_001348800.3(ZBTB20):c.437T>A (p.Val146Glu)

Gene: ZBTB20 (zinc finger and BTB domain containing 20; minus strand). Cytogenetic location: 3q13.31.
Variant type: single nucleotide variant.
Coding change: c.437T>A on transcript NM_001348800.3 (MANE Select); coding-DNA position 437, T replaced by A.
Protein change: p.Val146Glu; replaces valine 146 with glutamic acid.
Molecular consequence: missense variant.
Genome position (GRCh38, 1-based): chr3:114,351,641, A>T on the plus strand (T>A on the coding strand, the complement: ZBTB20 is on the minus strand). VCF-style: chr3-114351641-A-T. GRCh37 (hg19) VCF-style: chr3-114070488-A-T.
Other names: c.437T>A, p.Val146Glu (NM_001164342.2, NM_001348803.3, NM_001393393.1 and 1 more transcripts); c.218T>A, p.Val73Glu (NM_001164343.2, NM_001164344.4, NM_001164345.4 and 9 more transcripts); short protein forms V146E, V73E.
Identifiers: ClinVar variation 2663147 (VCV002663147.1), dbSNP rs2550505800, ClinGen allele CA354016959.
Genomic context (GRCh38, chr3:114,351,641, plus strand): 5'-GAGACCCGTAGCACGCCGCTGTACATGAAGTCAATGAGCTTTTGCACTGACTGCACTGAC[A>T]CCACCGACGGGATCTCGATGTCGCTGTAGCCAAGCAGCAGTTTGTCCTGGAAGAAGGGGC-3'
Protein context (NP_001335729.1, residues 136-156): GYSDIEIPSV[Val146Glu]SVQSVQKLID

ClinVar aggregate classification (germline): Uncertain significance (1 of 4 stars; one submission).

Submission:

GeneDx
Classification: Uncertain significance. Last evaluated: 2023-05-08. Review status: criteria provided, single submitter. Criteria: GeneDx Variant Classification Process June 2021. Collection method: clinical testing. Allele origin: germline. Affected: yes.
Comment: Not observed at significant frequency in large population cohorts (gnomAD); In silico analysis supports that this missense variant has a deleterious effect on protein structure/function; Has not been previously published as pathogenic or benign to our knowledge